The following is an entry in ClinVar:

ClinVar aggregate classification (germline): Uncertain significance (1 of 4 stars; one submission).

Conditions:
Muscular dystrophy-dystroglycanopathy (congenital with brain and eye anomalies), type a, 12 (MDDGA12). Also called: WALKER-WARBURG SYNDROME OR MUSCLE-EYE-BRAIN DISEASE, POMK-RELATED. Identifiers: Orphanet 899, MedGen C3808964, MONDO:0014101, OMIM 615249.
Limb-girdle muscular dystrophy due to POMK deficiency. Also called: Muscular dystrophy-dystroglycanopathy (limb-girdle), type c, 12; MUSCULAR DYSTROPHY-DYSTROGLYCANOPATHY, LIMB-GIRDLE, POMK-RELATED. Identifiers: Orphanet 445110, MedGen C4015184, MONDO:0014489, OMIM 616094.

Submission:

Labcorp Genetics (formerly Invitae), Labcorp
Classification: Uncertain significance for Muscular dystrophy-dystroglycanopathy (congenital with brain and eye anomalies), type a, 12; Limb-girdle muscular dystrophy due to POMK deficiency. Last evaluated: 2022-07-06. Review status: criteria provided, single submitter. Criteria: Invitae Variant Classification Sherloc (09022015). Collection method: clinical testing. Allele origin: germline.
Comment: In summary, the available evidence is currently insufficient to determine the role of this variant in disease. Therefore, it has been classified as a Variant of Uncertain Significance. Algorithms developed to predict the effect of missense changes on protein structure and function are either unavailable or do not agree on the potential impact of this missense change (SIFT: "Deleterious"; PolyPhen-2: "Benign"; Align-GVGD: "Class C0"). ClinVar contains an entry for this variant (Variation ID: 1379168). This variant has not been reported in the literature in individuals affected with POMK-related conditions. This variant is not present in population databases (gnomAD no frequency). This sequence change replaces leucine, which is neutral and non-polar, with phenylalanine, which is neutral and non-polar, at codon 107 of the POMK protein (p.Leu107Phe).

NM_032237.5(POMK):c.319C>T (p.Leu107Phe)

Gene: POMK (protein O-mannose kinase; plus strand). Cytogenetic location: 8p11.21.
Variant type: single nucleotide variant.
Coding change: c.319C>T on transcript NM_032237.5 (MANE Select); coding-DNA position 319, C replaced by T.
Protein change: p.Leu107Phe; replaces leucine 107 with phenylalanine.
Molecular consequence: missense variant.
Genome position (GRCh38, 1-based): chr8:43,122,143, C>T. VCF-style: chr8-43122143-C-T. GRCh37 (hg19) VCF-style: chr8-42977286-C-T.
Other names: c.319C>T, p.Leu107Phe (NM_001277971.2); short protein forms L107F.
Identifiers: ClinVar variation 1379168 (VCV001379168.6), dbSNP rs867790285, ClinGen allele CA176079708.